The following continues an entry in ClinVar:

NM_000492.4(CFTR):c.1364C>A (p.Ala455Glu)

ClinVar aggregate classification (germline): Pathogenic. Pathogenic (1).

Submissions 9 to 28 of 28:

Ambry Genetics
Classification: Pathogenic for Cystic fibrosis. Last evaluated: 2025-01-21. Review status: criteria provided, single submitter. Criteria: Ambry Variant Classification Scheme 2023. Collection method: clinical testing. Allele origin: germline. Not counted in ClinVar's aggregate classification.
Comment: The p.A455E pathogenic mutation (also known as c.1364C>A), located in coding exon 10 of the CFTR gene, results from a C to A substitution at nucleotide position 1364. The alanine at codon 455 is replaced by glutamic acid, an amino acid with dissimilar properties. This alteration accounts for approximately 0.3% of cystic fibrosis (CF) alleles (Corvol H et al. Transl Res, 2016 Feb;168:40-9; Brennan ML et al. J Mol Diagn, 2016 Jan;18:3-14) and is typically associated with milder manifestations of CF (Bombieri C et al. Semin Respir Crit Care Med, 2015 Apr;36:180-93). Functional in vitro studies found that cells with this pathogenic mutation maintain 6.8% chloride conduction compared to wild-type (Sosnay PR et al. Nat Genet. 2013;45(10):1160-1167). This amino acid position is highly conserved in available vertebrate species. In addition, this alteration is predicted to be deleterious by in silico analysis. Based on the supporting evidence, this variant is interpreted as a disease-causing mutation.

Quest Diagnostics Nichols Institute San Juan Capistrano
Classification: Pathogenic. Last evaluated: 2024-09-05. Review status: criteria provided, single submitter. Criteria: Quest Diagnostics criteria. Collection method: clinical testing. Allele origin: unknown. Not counted in ClinVar's aggregate classification.
Comment: The CFTR c.1364C>A (p.Ala455Glu) variant has been reported in the published literature in individuals with Cystic Fibrosis (PMID: 2236053 (1990), 18456578 (2008), 23974870 (2013), 32429104 (2020)), pancreatic insufficiency (PMID: 22658665 (2012)), and pancreatitis (PMID: 21520337 (2011)). Assessment of experimental evidence suggests this variant results in abnormal protein function (PMID: 7542778 (1995), 23891399 (2014), 24416359 (2014), 24440181 (2014), 25489051 (2015), 32204475 (2020)). The frequency of this variant in the general population, 0.00024 (12/50236 chromosomes (Genome Aggregation Database)), is uninformative in the assessment of its pathogenicity. Analysis of this variant using bioinformatics tools for the prediction of the effect of amino acid changes on protein structure and function yielded predictions that this variant is damaging. Based on the available information, this variant is classified as pathogenic.

Baylor Genetics
Classification: Pathogenic for Bronchiectasis with or without elevated sweat chloride 1. Last evaluated: 2024-03-23. Review status: criteria provided, single submitter. Criteria: ACMG Guidelines, 2015. Collection method: clinical testing. Allele origin: unknown. Not counted in ClinVar's aggregate classification.

GeneDx
Classification: Pathogenic. Last evaluated: 2023-10-19. Review status: criteria provided, single submitter. Criteria: GeneDx Variant Classification Process June 2021. Collection method: clinical testing. Allele origin: germline. Affected: yes. Not counted in ClinVar's aggregate classification.
Comment: Published functional studies demonstrate a damaging effect: reduced levels of mature CFTR protein and chloride transport compared to wildtype (PMID: 23891399, 7534226); In silico analysis supports that this missense variant has a deleterious effect on protein structure/function; This variant is associated with the following publications: (PMID: 21520337, 23420618, 7534226, 9402971, 32429104, 22975760, 25489051, 22658665, 23891399, 24440181, 23378603, 23974870, 20021716, 2236053, 18456578, 29261177, 24416359, 7542778, 32204475, 31036917, 22390181, 32848127, 34996830, 10777368, 34782259, 8886242)

Revvity Omics, Revvity
Classification: Pathogenic. Last evaluated: 2022-07-29. Review status: criteria provided, single submitter. Criteria: ACMG Guidelines, 2015. Collection method: clinical testing. Allele origin: germline. Not counted in ClinVar's aggregate classification.

Blueprint Genetics
Classification: Pathogenic for CFTR-related disorders. Last evaluated: 2022-07-06. Review status: criteria provided, single submitter. Criteria: ACMG Guidelines, 2015. Collection method: clinical testing. Allele origin: germline. Affected: yes. Observed: 5 variant alleles. Not counted in ClinVar's aggregate classification.

Johns Hopkins Genomics, Johns Hopkins University
Classification: Pathogenic for Cystic fibrosis. Last evaluated: 2020-07-24. Review status: criteria provided, single submitter. Criteria: ACMG Guidelines, 2015. Collection method: clinical testing. Allele origin: germline. Not counted in ClinVar's aggregate classification.
Comment: Disease-causing CFTR variant. See CFTR2 for phenotype information.

Myriad Genetics, Inc.
Classification: Pathogenic for Cystic fibrosis. Last evaluated: 2019-11-12. Review status: criteria provided, single submitter. Criteria: Myriad Women's Health Autosomal Recessive and X-Linked Classification Criteria (2019). Collection method: clinical testing. Allele origin: unknown. Not counted in ClinVar's aggregate classification.
Comment: NM_000492.3(CFTR):c.1364C>A(A455E) is classified as pathogenic in the context of cystic fibrosis and is associated with the non-classic form of disease. Sources cited for classification include the following: PMID 23974870. Classification of NM_000492.3(CFTR):c.1364C>A(A455E) is based on the following criteria: This is a well-established pathogenic variant in the literature that has been observed more frequently in patients with clinical diagnoses than in healthy populations. Please note: this variant was assessed in the context of healthy population screening.

Mendelics
Classification: Pathogenic for Cystic fibrosis. Last evaluated: 2018-11-05. Review status: criteria provided, single submitter. Criteria: Mendelics Assertion Criteria 2017. Collection method: clinical testing. Allele origin: unknown. Affected: yes. Not counted in ClinVar's aggregate classification.

Fulgent Genetics
Classification: Pathogenic for Hereditary pancreatitis; Bronchiectasis with or without elevated sweat chloride 1; Cystic fibrosis; Congenital bilateral aplasia of vas deferens from CFTR mutation. Last evaluated: 2018-10-31. Review status: criteria provided, single submitter. Criteria: ACMG Guidelines, 2015. Collection method: clinical testing. Allele origin: unknown. Not counted in ClinVar's aggregate classification.

CFTR-France
Classification: Pathogenic for cystic fibrosis. Last evaluated: 2018-01-29. Review status: criteria provided, single submitter. Criteria: Claustres M et al. (Hum Mutat 2017). Collection method: curation. Allele origin: germline. Affected: yes. Not counted in ClinVar's aggregate classification.

Women's Health and Genetics/Laboratory Corporation of America, LabCorp
Classification: Pathogenic for Cystic fibrosis. Last evaluated: 2017-02-16. Review status: criteria provided, single submitter. Criteria: LabCorp Variant Classification Summary - May 2015. Collection method: clinical testing. Allele origin: germline. Not counted in ClinVar's aggregate classification.
Comment: Variant summary: The CFTR c.1364C>A (p.Ala455Glu) variant involves the alteration of a conserved nucleotide. 5/5 in silico tools predict a damaging outcome for this variant. These predictions were confirmed by functional studies showing the variant to result in <10% chloride conductance (Sosnay_2013). This variant was found in 4/94982 control chromosomes at a frequency of 0.0000421, which does not exceed the estimated maximal expected allele frequency of a pathogenic CFTR variant (0.0129603). The variant has been reported in numerous affected individuals in the literature and is a known common disease causing mutation. In addition, multiple clinical diagnostic laboratories/reputable databases classified this variant as pathogenic. Taken together, this variant is classified as pathogenic.

Baylor Genetics
Classification: Pathogenic for Congenital bilateral aplasia of vas deferens from CFTR mutation; Cystic fibrosis. Review status: criteria provided, single submitter. Criteria: ACMG Guidelines, 2015. Collection method: clinical testing. Allele origin: germline. Not counted in ClinVar's aggregate classification.

OMIM
Classification: Pathogenic for CYSTIC FIBROSIS. Last evaluated: 1990-11-01. Review status: no assertion criteria provided. Collection method: literature only. Allele origin: germline. Not counted in ClinVar's aggregate classification.

Clinical Genetics DNA and cytogenetics Diagnostics Lab, Erasmus MC, Erasmus Medical Center
Classification: Pathogenic. Review status: no assertion criteria provided. Collection method: clinical testing. Allele origin: germline. Affected: yes. Study: VKGL Data-share Consensus. Not counted in ClinVar's aggregate classification.

Diagnostic Laboratory, Department of Genetics, University Medical Center Groningen
Classification: Pathogenic. Review status: no assertion criteria provided. Collection method: clinical testing. Allele origin: germline. Affected: yes. Study: VKGL Data-share Consensus. Not counted in ClinVar's aggregate classification.

GeneReviews
No classification provided. Condition: Cystic fibrosis. Review status: no classification provided. Collection method: literature only. Allele origin: unknown. Not counted in ClinVar's aggregate classification.

Genome Diagnostics Laboratory, Amsterdam University Medical Center
Classification: Pathogenic. Review status: no assertion criteria provided. Collection method: clinical testing. Allele origin: germline. Affected: yes. Study: VKGL Data-share Consensus. Not counted in ClinVar's aggregate classification.

Genome Diagnostics Laboratory, University Medical Center Utrecht
Classification: Pathogenic. Review status: no assertion criteria provided. Collection method: clinical testing. Allele origin: germline. Affected: yes. Study: VKGL Data-share Consensus. Not counted in ClinVar's aggregate classification.

Joint Genome Diagnostic Labs from Nijmegen and Maastricht, Radboudumc and MUMC+
Classification: Pathogenic. Review status: no assertion criteria provided. Collection method: clinical testing. Allele origin: germline. Affected: yes. Study: VKGL Data-share Consensus. Not counted in ClinVar's aggregate classification.

Literature cited by the submitters: PMC 3110945 (cited by American College of Medical Genetics and Genomics  (ACMG)); PubMed 23891399 (cited by ClinPGx and Quest Diagnostics Nichols Institute San Juan Capistrano); PubMed 2236053 (cited by 4 submitters); PubMed 15371902 (cited by 3 submitters); PubMed 23466340 (cited by Labcorp Genetics (formerly Invitae), Labcorp); PubMed 23974870 (cited by 4 submitters); PubMed 7542778 (cited by 3 submitters); PubMed 10777368 (cited by Natera, Inc.); PubMed 20021716 (cited by Ambry Genetics); PubMed 25826586 (cited by Ambry Genetics); PubMed 25940043 (cited by Ambry Genetics); PubMed 26631874 (cited by Ambry Genetics); PubMed 18456578 (cited by Quest Diagnostics Nichols Institute San Juan Capistrano); PubMed 21520337 (cited by Quest Diagnostics Nichols Institute San Juan Capistrano); PubMed 22658665 (cited by Quest Diagnostics Nichols Institute San Juan Capistrano); PubMed 22975760 (cited by Quest Diagnostics Nichols Institute San Juan Capistrano); PubMed 23420618 (cited by Quest Diagnostics Nichols Institute San Juan Capistrano); PubMed 24416359 (cited by Quest Diagnostics Nichols Institute San Juan Capistrano); PubMed 24440181 (cited by Quest Diagnostics Nichols Institute San Juan Capistrano); PubMed 25489051 (cited by Quest Diagnostics Nichols Institute San Juan Capistrano); PubMed 29261177 (cited by Quest Diagnostics Nichols Institute San Juan Capistrano); PubMed 32204475 (cited by Quest Diagnostics Nichols Institute San Juan Capistrano); PubMed 32429104 (cited by Quest Diagnostics Nichols Institute San Juan Capistrano); PubMed 12767731 (cited by Women's Health and Genetics/Laboratory Corporation of America, LabCorp); PubMed 27917292 (cited by OMIM); PubMed 36175384 (cited by OMIM); PubMed 20301428 (cited by GeneReviews).